The following is an entry in ClinVar:

NM_001040108.2(MLH3):c.1581A>G (p.Ile527Met)

Gene: MLH3 (mutL homolog 3; minus strand). Cytogenetic location: 14q24.3.
Variant type: single nucleotide variant.
Coding change: c.1581A>G on transcript NM_001040108.2 (MANE Select); coding-DNA position 1581, A replaced by G.
Protein change: p.Ile527Met; replaces isoleucine 527 with methionine.
Molecular consequence: missense variant.
Genome position (GRCh38, 1-based): chr14:75,048,075, T>C on the plus strand (A>G on the coding strand, the complement: MLH3 is on the minus strand). VCF-style: chr14-75048075-T-C. GRCh37 (hg19) VCF-style: chr14-75514778-T-C.
Other names: c.1581A>G, p.Ile527Met (NM_014381.3); short protein forms I527M.
Identifiers: ClinVar variation 1008095 (VCV001008095.11), dbSNP rs1892386824, ClinGen allele CA390444985.
Genomic context (GRCh38, chr14:75,048,075, plus strand): 5'-AATTCTATTATTTTTCAAGATGTTGGCAGCCATGCCATTAACAGTAGTACTTTCTTTCCA[T>C]ATTTCTAGATCCTGCCCACTCTCCTCAAAGTGACATGGTGTCTGAAAAGGGCTTAAAAAC-3'
Protein context (NP_001035197.1, residues 517-537): HFEESGQDLE[Ile527Met]WKESTTVNGM

ClinVar aggregate classification (germline): Uncertain significance. Review status: criteria provided, multiple submitters, no conflicts (2 of 4 stars). 2 submissions from 2 submitters: Uncertain significance (2). Last evaluated 2025-07-13.

Conditions:
Colorectal cancer, hereditary nonpolyposis, type 7. Identifiers: Orphanet 144, MedGen C1858380, MONDO:0013725, OMIM 614385.

Submissions (2):

Labcorp Genetics (formerly Invitae), Labcorp
Classification: Uncertain significance for Colorectal cancer, hereditary nonpolyposis, type 7. Last evaluated: 2025-07-13. Review status: criteria provided, single submitter. Criteria: Invitae Variant Classification Sherloc (09022015). Collection method: clinical testing. Allele origin: germline.
Comment: This sequence change replaces isoleucine, which is neutral and non-polar, with methionine, which is neutral and non-polar, at codon 527 of the MLH3 protein (p.Ile527Met). This variant is not present in population databases (gnomAD no frequency). This variant has not been reported in the literature in individuals affected with MLH3-related conditions. ClinVar contains an entry for this variant (Variation ID: 1008095). An algorithm developed to predict the effect of missense changes on protein structure and function outputs the following: PolyPhen-2: "Benign". The methionine amino acid residue is found in multiple mammalian species, which suggests that this missense change does not adversely affect protein function. In summary, the available evidence is currently insufficient to determine the role of this variant in disease. Therefore, it has been classified as a Variant of Uncertain Significance.

Ambry Genetics
Classification: Uncertain significance. Last evaluated: 2023-11-16. Review status: criteria provided, single submitter. Criteria: Ambry Variant Classification Scheme 2023. Collection method: clinical testing. Allele origin: germline.
Comment: The p.I527M variant (also known as c.1581A>G), located in coding exon 1 of the MLH3 gene, results from an A to G substitution at nucleotide position 1581. The isoleucine at codon 527 is replaced by methionine, an amino acid with highly similar properties. This amino acid position is conserved. In addition, this alteration is predicted to be tolerated by in silico analysis. Since supporting evidence is limited at this time, the clinical significance of this alteration remains unclear.